The following is an entry in ClinVar:

ClinVar aggregate classification (germline): Uncertain significance. Review status: criteria provided, multiple submitters, no conflicts (2 of 4 stars). 2 submissions from 2 submitters: Uncertain significance (2). Last evaluated 2025-04-14.

Conditions:
Inborn genetic diseases. Identifiers: MedGen C0950123, MeSH D030342.
Autosomal dominant childhood-onset proximal spinal muscular atrophy with contractures (SMALED2A). Also called: SPINAL MUSCULAR ATROPHY, LOWER EXTREMITY-PREDOMINANT, 2A, CHILDHOOD ONSET, AUTOSOMAL DOMINANT; Spinal muscular atrophy, lower extremity-predominant, 2A, autosomal dominant. Identifiers: Orphanet 363447, Orphanet 363454, MedGen C4747715, MONDO:0014121, OMIM 615290.

Allele frequency attached by ClinVar (database versions not stated): gnomAD exomes below 0.00001; gnomAD 0.00001; TOPMed 0.00002.
gnomAD v4.1: 4 of 1,613,086 alleles (0.00025%); highest among the groups gnomAD compares: Non-Finnish European, 0.00034%; no homozygotes.

Submissions (2):

Labcorp Genetics (formerly Invitae), Labcorp
Classification: Uncertain significance for Autosomal dominant childhood-onset proximal spinal muscular atrophy with contractures. Last evaluated: 2025-04-14. Review status: criteria provided, single submitter. Criteria: Invitae Variant Classification Sherloc (09022015). Collection method: clinical testing. Allele origin: germline.
Comment: This sequence change replaces arginine, which is basic and polar, with glutamine, which is neutral and polar, at codon 795 of the BICD2 protein (p.Arg795Gln). This variant is present in population databases (no rsID available, gnomAD 0.007%). This missense change has been observed in individual(s) with clinical features of distal hereditary motor neuropathy (internal data). ClinVar contains an entry for this variant (Variation ID: 650433). Invitae Evidence Modeling of protein sequence and biophysical properties (such as structural, functional, and spatial information, amino acid conservation, physicochemical variation, residue mobility, and thermodynamic stability) indicates that this missense variant is expected to disrupt BICD2 protein function with a positive predictive value of 80%. In summary, the available evidence is currently insufficient to determine the role of this variant in disease. Therefore, it has been classified as a Variant of Uncertain Significance.

Ambry Genetics
Classification: Uncertain significance for Inborn genetic diseases. Last evaluated: 2021-05-10. Review status: criteria provided, single submitter. Criteria: Ambry Variant Classification Scheme 2023. Collection method: clinical testing. Allele origin: germline.
Comment: The p.R795Q variant (also known as c.2384G>A), located in coding exon 7 of the BICD2 gene, results from a G to A substitution at nucleotide position 2384. The arginine at codon 795 is replaced by glutamine, an amino acid with highly similar properties. This amino acid position is highly conserved in available vertebrate species. In addition, the in silico prediction for this alteration is inconclusive. Since supporting evidence is limited at this time, the clinical significance of this alteration remains unclear.

NM_001003800.2(BICD2):c.2384G>A (p.Arg795Gln)

Gene: BICD2 (BICD cargo adaptor 2; minus strand). Cytogenetic location: 9q22.31.
Variant type: single nucleotide variant.
Coding change: c.2384G>A on transcript NM_001003800.2 (MANE Select); coding-DNA position 2384, G replaced by A.
Protein change: p.Arg795Gln; replaces arginine 795 with glutamine.
Molecular consequence: missense variant.
Genome position (GRCh38, 1-based): chr9:92,715,338, C>T on the plus strand (G>A on the coding strand, the complement: BICD2 is on the minus strand). VCF-style: chr9-92715338-C-T. GRCh37 (hg19) VCF-style: chr9-95477620-C-T.
Other names: c.2384G>A, p.Arg795Gln (NM_015250.4); short protein forms R795Q.
Identifiers: ClinVar variation 650433 (VCV000650433.11), dbSNP rs1473987839, ClinGen allele CA374030117.